The following is an entry in ClinVar:

NM_001267550.2(TTN):c.44281+14A>G

Gene: TTN (titin; minus strand). Cytogenetic location: 2q31.2.
Variant type: single nucleotide variant.
Coding change: c.44281+14A>G on transcript NM_001267550.2 (MANE Select); 14 bases into the intron after coding-DNA position 44281, A replaced by G.
Molecular consequence: intron variant.
Genome position (GRCh38, 1-based): chr2:178,630,227, T>C on the plus strand (A>G on the coding strand, the complement: TTN is on the minus strand). VCF-style: chr2-178630227-T-C. GRCh37 (hg19) VCF-style: chr2-179494954-T-C.
Other names: c.17086+14A>G (NM_003319.4); c.17662+14A>G (NM_133437.4); c.17461+14A>G (NM_133432.3); c.36577+14A>G (NM_133378.4); c.39358+14A>G (NM_001256850.1).
Identifiers: ClinVar variation 509853 (VCV000509853.9), dbSNP rs745533972, ClinGen allele CA1995702.

ClinVar aggregate classification (germline): Likely benign. Review status: criteria provided, multiple submitters, no conflicts (2 of 4 stars). 3 submissions from 3 submitters: Likely benign (3). Last evaluated 2025-05-29.

Conditions:
Dilated cardiomyopathy 1G (CMD1G). Identifiers: Orphanet 154, MedGen C1858763, MONDO:0011400, OMIM 604145.
Autosomal recessive limb-girdle muscular dystrophy type 2J (LGMDR10). Also called: Limb-girdle muscular dystrophy, type 2J; MUSCULAR DYSTROPHY, LIMB-GIRDLE, AUTOSOMAL RECESSIVE 10. Identifiers: Orphanet 140922, MedGen C1837342, MONDO:0012127, OMIM 608807.

Allele frequency attached by ClinVar (database versions not stated): gnomAD 0.00001; TOPMed 0.00002; gnomAD exomes 0.00003 and 0.00008; ExAC 0.00006.
gnomAD v4.1: 21 of 1,611,466 alleles (0.0013%); highest among the groups gnomAD compares: Admixed American, 0.034%; no homozygotes.

Submissions (3):

Labcorp Genetics (formerly Invitae), Labcorp
Classification: Likely benign for Dilated cardiomyopathy 1G; Autosomal recessive limb-girdle muscular dystrophy type 2J. Last evaluated: 2025-05-29. Review status: criteria provided, single submitter. Criteria: Invitae Variant Classification Sherloc (09022015). Collection method: clinical testing. Allele origin: germline.

ARUP Laboratories, Molecular Genetics and Genomics, ARUP Laboratories
Classification: Likely benign. Last evaluated: 2025-04-21. Review status: criteria provided, single submitter. Criteria: ARUP Molecular Germline Variant Investigation Process 2024. Collection method: clinical testing. Allele origin: germline.

GeneDx
Classification: Likely benign. Last evaluated: 2017-05-23. Review status: criteria provided, single submitter. Criteria: GeneDx Variant Classification (06012015). Collection method: clinical testing. Allele origin: germline. Affected: yes.
Comment: This variant is considered likely benign or benign based on one or more of the following criteria: it is a conservative change, it occurs at a poorly conserved position in the protein, it is predicted to be benign by multiple in silico algorithms, and/or has population frequency not consistent with disease.